The following is an entry in ClinVar:

ClinVar aggregate classification (germline): Uncertain significance (1 of 4 stars; one submission).

Submission:

Laboratory for Molecular Medicine, Mass General Brigham Personalized Medicine
Classification: Uncertain significance. Last evaluated: 2015-03-04. Review status: criteria provided, single submitter. Criteria: LMM Criteria. Collection method: clinical testing. Allele origin: germline. Observed: 1 variant allele.
Comment: The c.(?_1094)_(1233_?)del variant in LAMP2 has not been previously reported in individuals with cardiomyopathy. This variant results in a deletion encompassing the last exon (isoform C). While large deletions encompassing one or more exon s have been identified in multiple cases of Danon disease (Yang 2010, Boucek 201 1) and loss-of-function is an established disease mechanism, this deletion does not occur in the predominant isoform for Danon disease (B) and therefore its ove rall impact is unclear. In summary, the clinical significance of the c.(?_1094)_ (1233_?)del variant is uncertain.

NM_001122606.1(LAMP2):c.(?_1094)_(1236_?)del

Gene: LAMP2 (lysosomal associated membrane protein 2; minus strand). Cytogenetic location: Xq24.
Variant type: Deletion.
Coding change: c.(?_1094)_(1236_?)del on transcript NM_001122606.1; a large deletion whose breakpoints are not mapped to the base.
Other names: c.(?_1094)_(1236_?)del (NM_001122606.1, LRG_749t3).
Identifiers: ClinVar variation 228785 (VCV000228785.4).